The following is an entry in ClinVar:

NM_001793.6(CDH3):c.448G>A (p.Ala150Thr)

Gene: CDH3 (cadherin 3; plus strand). Cytogenetic location: 16q22.1.
Variant type: single nucleotide variant.
Coding change: c.448G>A on transcript NM_001793.6 (MANE Select); coding-DNA position 448, G replaced by A.
Protein change: p.Ala150Thr; replaces alanine 150 with threonine.
Molecular consequence: missense variant.
Genome position (GRCh38, 1-based): chr16:68,678,558, G>A. VCF-style: chr16-68678558-G-A. GRCh37 (hg19) VCF-style: chr16-68712461-G-A.
Other names: c.448G>A, p.Ala150Thr (NM_001317195.3); c.283G>A, p.Ala95Thr (NM_001317196.2); c.448G>A (NM_001793.4); short protein forms A95T, A150T.
Identifiers: ClinVar variation 1490716 (VCV001490716.7), dbSNP rs148231483, ClinGen allele CA8129034.

ClinVar aggregate classification (germline): Uncertain significance. Review status: criteria provided, multiple submitters, no conflicts (2 of 4 stars). 4 submissions from 4 submitters: Uncertain significance (3). 1 of the submissions does not count toward it. Last evaluated 2025-01-07.

Conditions:
Retinal dystrophy. Also called: Inherited retinal dystrophy. Identifiers: Orphanet 71862, MedGen C0854723, MeSH D058499, MONDO:0019118, HP:0000556.
Inborn genetic diseases. Identifiers: MedGen C0950123, MeSH D030342.

Allele frequency attached by ClinVar (database versions not stated): gnomAD 0.00003 and 0.00004; TOPMed 0.00006; ExAC 0.00007; gnomAD exomes 0.00007 and 0.00016; ESP Exome Variant Server 0.00023.
gnomAD v4.1: 230 of 1,614,126 alleles (0.014%); highest among the groups gnomAD compares: Non-Finnish European, 0.019%; no homozygotes.

Submissions (4):

Ambry Genetics
Classification: Uncertain significance for Inborn genetic diseases. Last evaluated: 2025-01-07. Review status: criteria provided, single submitter. Criteria: Ambry Variant Classification Scheme 2023. Collection method: clinical testing. Allele origin: germline.

Labcorp Genetics (formerly Invitae), Labcorp
Classification: Uncertain significance. Last evaluated: 2024-10-15. Review status: criteria provided, single submitter. Criteria: Invitae Variant Classification Sherloc (09022015). Collection method: clinical testing. Allele origin: germline.
Comment: This sequence change replaces alanine, which is neutral and non-polar, with threonine, which is neutral and polar, at codon 150 of the CDH3 protein (p.Ala150Thr). This variant is present in population databases (rs148231483, gnomAD 0.01%). This variant has not been reported in the literature in individuals affected with CDH3-related conditions. ClinVar contains an entry for this variant (Variation ID: 1490716). Invitae Evidence Modeling of protein sequence and biophysical properties (such as structural, functional, and spatial information, amino acid conservation, physicochemical variation, residue mobility, and thermodynamic stability) indicates that this missense variant is not expected to disrupt CDH3 protein function with a negative predictive value of 80%. In summary, the available evidence is currently insufficient to determine the role of this variant in disease. Therefore, it has been classified as a Variant of Uncertain Significance.

GeneDx
Classification: Uncertain significance. Last evaluated: 2022-09-20. Review status: criteria provided, single submitter. Criteria: GeneDx Variant Classification Process June 2021. Collection method: clinical testing. Allele origin: germline. Affected: yes.
Comment: In silico analysis supports that this missense variant has a deleterious effect on protein structure/function; Has not been previously published as pathogenic or benign to our knowledge

Institute of Human Genetics, Univ. Regensburg, Univ. Regensburg
Classification: Uncertain significance for Retinal dystrophy. Last evaluated: 2023-01-01. Review status: no assertion criteria provided. Criteria: ACMG Guidelines, 2015. Collection method: clinical testing. Allele origin: germline. Affected: yes. Not counted in ClinVar's aggregate classification.